The following is an entry in ClinVar:

NM_004991.4(MECOM):c.3530C>T (p.Thr1177Ile)

Gene: MECOM (MDS1 and EVI1 complex locus; minus strand). Cytogenetic location: 3q26.2.
Variant type: single nucleotide variant.
Coding change: c.3530C>T on transcript NM_004991.4 (MANE Select); coding-DNA position 3530, C replaced by T.
Protein change: p.Thr1177Ile; replaces threonine 1177 with isoleucine.
Molecular consequence: missense variant.
Genome position (GRCh38, 1-based): chr3:169,089,055, G>A on the plus strand (C>T on the coding strand, the complement: MECOM is on the minus strand). VCF-style: chr3-169089055-G-A. GRCh37 (hg19) VCF-style: chr3-168806843-G-A.
Other names: c.3161C>T, p.Thr1054Ile (NM_001105077.4); c.2966C>T, p.Thr989Ile (NM_001105078.4, NM_001205194.2, NM_001366469.2 and 1 more transcripts); c.2942C>T, p.Thr981Ile (NM_001163999.2, NM_001366470.2); c.2939C>T, p.Thr980Ile (NM_001164000.2, NM_001366471.2, NM_001366472.2); c.3503C>T, p.Thr1168Ile (NM_001366466.2); c.2969C>T, p.Thr990Ile (NM_001366467.2, NM_001366468.2); c.2531C>T, p.Thr844Ile (NM_001366473.2); c.1967C>T, p.Thr656Ile (NM_001366474.2); short protein forms T1054I, T980I, T981I, T990I, T844I, T989I, T1168I, T1177I.
Identifiers: ClinVar variation 4053307 (VCV004053307.1).
Genomic context (GRCh38, chr3:169,089,055, plus strand): 5'-TGTACCTGCGATTTGGACTTTCTGTGTAACGGCTGCTTAAGTTCCTCTGGCACATGGGAA[G>A]TACTAAAAGAAGACAGCTCAGCTTCAGAATATTGATTATCTTCCATTTTCCTCATTTTGA-3'
Protein context (NP_004982.2, residues 1167-1187): YSEAELSSFS[Thr1177Ile]SHVPEELKQP

ClinVar aggregate classification (germline): Uncertain significance (1 of 4 stars; one submission).

Conditions:
Inborn genetic diseases. Identifiers: MedGen C0950123, MeSH D030342.

Submission:

Ambry Genetics
Classification: Uncertain significance for Inborn genetic diseases. Last evaluated: 2025-05-31. Review status: criteria provided, single submitter. Criteria: Ambry Variant Classification Scheme 2023. Collection method: clinical testing. Allele origin: germline.
Comment: The p.T1177I variant (also known as c.3530C>T), located in coding exon 16 of the MECOM gene, results from a C to T substitution at nucleotide position 3530. The threonine at codon 1177 is replaced by isoleucine, an amino acid with similar properties. This amino acid position is conserved. In addition, this alteration is predicted to be tolerated by in silico analysis. Based on the available evidence, the clinical significance of this variant remains unclear.